The following is an entry in ClinVar:

GRCh38/hg38 22q13.33(chr22:50725197-50755252)x3

Genes: ACR (acrosin; plus strand), SHANK3 (SH3 and multiple ankyrin repeat domains 3; plus strand), LOC105373100 (uncharacterized LOC105373100; minus strand). Cytogenetic location: 22q13.33.
Variant type: copy number gain.
Change: copy number 3 (three copies instead of two) of chr22:50,725,197-50,755,252 (30.1 kb, GRCh38 coordinates, 1-based), cytogenetic band 22q13.33.
Identifiers: ClinVar variation 148453 (VCV000148453.2).

ClinVar aggregate classification (germline): conflicting data from submitters (0 of 4 stars; one submission).

Submission:

ISCA site 1
Classification: conflicting data from submitters. Last evaluated: 2012-09-26. Review status: no assertion criteria provided. Collection method: clinical testing. Allele origin: paternal, unknown. Affected: yes. Observed: 2 variant alleles.
Comment: Uncertain significance(1), Likely benign (1)

Copy number variation identified through the course of routine clinical cytogenomic testing in postnatal populations, with clinical assertions as classified by the original submitter. For data from the original published study, Kaminsky, et al. 2011 (PubMed 21844811), please see nstd101.